The following is an entry in ClinVar:

ClinVar aggregate classification (germline): Uncertain significance (1 of 4 stars; one submission).

Allele frequency attached by ClinVar (database versions not stated): gnomAD exomes 0.00001 and 0.00002; ExAC 0.00005.

Submission:

Labcorp Genetics (formerly Invitae), Labcorp
Classification: Uncertain significance. Last evaluated: 2021-09-17. Review status: criteria provided, single submitter. Criteria: Invitae Variant Classification Sherloc (09022015). Collection method: clinical testing. Allele origin: germline.
Comment: This sequence change replaces arginine with glutamine at codon 241 of the SBF1 protein (p.Arg241Gln). The arginine residue is weakly conserved and there is a small physicochemical difference between arginine and glutamine. This variant is present in population databases (rs761849972, ExAC 0.01%). This variant has not been reported in the literature in individuals affected with SBF1-related conditions. Algorithms developed to predict the effect of missense changes on protein structure and function (SIFT, PolyPhen-2, Align-GVGD) all suggest that this variant is likely to be tolerated. Algorithms developed to predict the effect of sequence changes on RNA splicing suggest that this variant may create or strengthen a splice site. In summary, the available evidence is currently insufficient to determine the role of this variant in disease. Therefore, it has been classified as a Variant of Uncertain Significance.

NM_002972.4(SBF1):c.722G>A (p.Arg241Gln)

Gene: SBF1 (SET binding factor 1; minus strand). Cytogenetic location: 22q13.33.
Variant type: single nucleotide variant.
Coding change: c.722G>A on transcript NM_002972.4 (MANE Select); coding-DNA position 722, G replaced by A.
Protein change: p.Arg241Gln; replaces arginine 241 with glutamine.
Molecular consequence: missense variant.
Genome position (GRCh38, 1-based): chr22:50,466,416, C>T on the plus strand (G>A on the coding strand, the complement: SBF1 is on the minus strand). VCF-style: chr22-50466416-C-T. GRCh37 (hg19) VCF-style: chr22-50904845-C-T.
Other names: c.725G>A, p.Arg242Gln (NM_001365819.1); short protein forms R242Q, R241Q.
Identifiers: ClinVar variation 1480593 (VCV001480593.5), dbSNP rs761849972, ClinGen allele CA10317990.